The following is an entry in ClinVar:

ClinVar aggregate classification (germline): Uncertain significance. Review status: criteria provided, multiple submitters, no conflicts (2 of 4 stars). 2 submissions from 2 submitters: Uncertain significance (2). Last evaluated 2025-08-19.

Conditions:
PLS1-related disorder. Also called: PLS1-related condition.
Inborn genetic diseases. Identifiers: MedGen C0950123, MeSH D030342.

Allele frequency attached by ClinVar (database versions not stated): ExAC 0.00003; TOPMed 0.00004; gnomAD 0.00005; gnomAD exomes 0.00005.
gnomAD v4.1: 76 of 1,613,406 alleles (0.0047%); highest among the groups gnomAD compares: Non-Finnish European, 0.0064%; no homozygotes.

Submissions (2):

Ambry Genetics
Classification: Uncertain significance for Inborn genetic diseases. Last evaluated: 2025-08-19. Review status: criteria provided, single submitter. Criteria: Ambry Variant Classification Scheme 2023. Collection method: clinical testing. Allele origin: germline.

PreventionGenetics, part of Exact Sciences
Classification: Uncertain significance for PLS1-related condition. Last evaluated: 2025-01-31. Review status: criteria provided, single submitter. Criteria: ACMG Guidelines, 2015. Collection method: clinical testing. Allele origin: germline.
Comment: The PLS1 c.860C>G variant is predicted to result in the amino acid substitution p.Thr287Ser. To our knowledge, this variant has not been reported in the literature. This variant is reported in 0.0093% of alleles in individuals of European (Non-Finnish) descent in gnomAD. At this time, the clinical significance of this variant is uncertain due to the absence of conclusive functional and genetic evidence.

NM_001145319.2(PLS1):c.860C>G (p.Thr287Ser)

Gene: PLS1 (plastin 1; plus strand). Cytogenetic location: 3q23.
Variant type: single nucleotide variant.
Coding change: c.860C>G on transcript NM_001145319.2 (MANE Select); coding-DNA position 860, C replaced by G.
Protein change: p.Thr287Ser; replaces threonine 287 with serine.
Molecular consequence: missense variant.
Genome position (GRCh38, 1-based): chr3:142,684,367, C>G. VCF-style: chr3-142684367-C-G. GRCh37 (hg19) VCF-style: chr3-142403209-C-G.
Other names: c.860C>G, p.Thr287Ser (NM_001172312.2, NM_002670.3); c.860C>G (NM_001145319.1); short protein forms T287S.
Identifiers: ClinVar variation 2558331 (VCV002558331.4), dbSNP rs771783636, ClinGen allele CA2651143.